The following is an entry in ClinVar:

NM_000430.4(PAFAH1B1):c.671+5G>A

Gene: PAFAH1B1 (platelet activating factor acetylhydrolase 1b regulatory subunit 1; plus strand). Cytogenetic location: 17p13.3.
Variant type: single nucleotide variant.
Coding change: c.671+5G>A on transcript NM_000430.4 (MANE Select); 5 bases into the intron after coding-DNA position 671, G replaced by A.
Molecular consequence: intron variant.
Genome position (GRCh38, 1-based): chr17:2,672,762, G>A. VCF-style: chr17-2672762-G-A. GRCh37 (hg19) VCF-style: chr17-2576056-G-A.
Identifiers: ClinVar variation 159537 (VCV000159537.7), dbSNP rs587784280, ClinGen allele CA272431.

ClinVar aggregate classification (germline): Pathogenic/Likely pathogenic. Review status: criteria provided, multiple submitters, no conflicts (2 of 4 stars). 3 submissions from 3 submitters: Pathogenic (1); Likely pathogenic (2). Last evaluated 2024-12-19.

Conditions:
Lissencephaly due to LIS1 mutation (LIS1). Also called: PAFAH1B1-Associated Lissencephaly/Subcortical Band Heterotopia; PAFAH1B1-Related Lissencephaly/Subcortical Band Heterotopia; Isolated Lissencephaly Sequence. Identifiers: Orphanet 95232, MedGen C4749301, MONDO:0011830, OMIM 607432.

Submissions (3):

GeneDx
Classification: Pathogenic. Last evaluated: 2024-12-19. Review status: criteria provided, single submitter. Criteria: GeneDx Variant Classification Process June 2021. Collection method: clinical testing. Allele origin: germline. Affected: yes.
Comment: Intronic variant directly or indirectly altering the +5 splice site in a gene for which loss of function is a known mechanism of disease, and splice predictors support a deleterious effect; Not observed at significant frequency in large population cohorts (gnomAD); In published literature this variant is listed as seen in ClinVar in a patient with a cortical brain malformation (PMID: 36100855); This variant is associated with the following publications: (PMID: 36100855)

Genetic Services Laboratory, University of Chicago
Classification: Likely pathogenic for Lissencephaly 1. Last evaluated: 2013-02-08. Review status: criteria provided, single submitter. Criteria: ACMG Guidelines, 2007. Collection method: clinical testing. Allele origin: germline. Inheritance: Autosomal dominant inheritance. Affected: yes.

Broad Center for Mendelian Genomics, Broad Institute of MIT and Harvard
Classification: Likely pathogenic for Lissencephaly due to LIS1 mutation. Review status: criteria provided, single submitter. Criteria: ACMG Guidelines, 2015. Collection method: research. Allele origin: germline. Inheritance: Autosomal dominant inheritance. Affected: yes. Study: Broad Institute Center for Mendelian Genomics (CMG).
Comment: Trio analysis showed this variant to be de novo. This variant is located in the extended slice site According to alamut it eliminates a splice donor site 5 nucleotides from the canonical splice site, and weakens the splice donor site of intron 7 by 2/5 splice predictors. ESEfinder predicts the splice donor site to be unaffected but the donor site 5 nucleotides away is eliminated. This variant was absent from large population studies but it was entered in ClinVar by UChicago as likely pathogenic. They reported that they identified this variant in one individual with Lissencephaly. In summary, although additional studies are required to fully establish its clinical significance, this variant is likely pathogenic.